The following is an entry in ClinVar:

ClinVar aggregate classification (germline): Conflicting classifications of pathogenicity. Review status: criteria provided, conflicting classifications (1 of 4 stars). 4 submissions from 4 submitters: Uncertain significance (2); Likely benign (1). 1 of the submissions does not count toward it. Last evaluated 2025-08-21.

Conditions:
CENPF-related disorder. Also called: CENPF-related condition.
Inborn genetic diseases. Identifiers: MedGen C0950123, MeSH D030342.

Allele frequency attached by ClinVar (database versions not stated): gnomAD 0.00013 and 0.00014; gnomAD exomes 0.00014 and 0.00028; TOPMed 0.00014; ESP Exome Variant Server 0.00015; ExAC 0.00029.
gnomAD v4.1: 230 of 1,613,990 alleles (0.014%); highest among the groups gnomAD compares: Middle Eastern, 0.033%; no homozygotes.

Submissions (4):

Labcorp Genetics (formerly Invitae), Labcorp
Classification: Likely benign. Last evaluated: 2025-08-21. Review status: criteria provided, single submitter. Criteria: Invitae Variant Classification Sherloc (09022015). Collection method: clinical testing. Allele origin: germline.

GeneDx
Classification: Uncertain significance. Last evaluated: 2022-02-16. Review status: criteria provided, single submitter. Criteria: GeneDx Variant Classification Process June 2021. Collection method: clinical testing. Allele origin: germline. Affected: yes.
Comment: In silico analysis supports that this missense variant has a deleterious effect on protein structure/function; Has not been previously published as pathogenic or benign to our knowledge

Ambry Genetics
Classification: Uncertain significance for Inborn genetic diseases. Last evaluated: 2022-01-03. Review status: criteria provided, single submitter. Criteria: Ambry Variant Classification Scheme 2023. Collection method: clinical testing. Allele origin: germline.

PreventionGenetics, part of Exact Sciences
Classification: Likely benign for CENPF-related condition. Last evaluated: 2024-07-26. Review status: no assertion criteria provided. Collection method: clinical testing. Allele origin: germline. Not counted in ClinVar's aggregate classification.
Comment: This variant is classified as likely benign based on ACMG/AMP sequence variant interpretation guidelines (Richards et al. 2015 PMID: 25741868, with internal and published modifications).

NM_016343.4(CENPF):c.6826T>G (p.Cys2276Gly)

Gene: CENPF (centromere protein F; plus strand). Cytogenetic location: 1q41.
Variant type: single nucleotide variant.
Coding change: c.6826T>G on transcript NM_016343.4 (MANE Select); coding-DNA position 6826, T replaced by G.
Protein change: p.Cys2276Gly; replaces cysteine 2276 with glycine.
Molecular consequence: missense variant.
Genome position (GRCh38, 1-based): chr1:214,646,396, T>G. VCF-style: chr1-214646396-T-G. GRCh37 (hg19) VCF-style: chr1-214819739-T-G.
Other names: short protein forms C2276G.
Identifiers: ClinVar variation 1621118 (VCV001621118.12), dbSNP rs141620633, ClinGen allele CA1391019.
Genomic context (GRCh38, chr1:214,646,396, plus strand): 5'-ACTGCAGTGGAGATGCTTCAGAATCAGTTAAAGGAGCTAAATGAGGCAGTAGCAGCCTTG[T>G]GTGGTGACCAAGAAATTATGAAGGCCACAGAACAGAGTCTAGACCCACCAATAGAGGAAG-3'
Protein context (NP_057427.3, residues 2266-2286): KELNEAVAAL[Cys2276Gly]GDQEIMKATE